The following is an entry in ClinVar:

ClinVar aggregate classification (germline): Uncertain significance. Review status: criteria provided, single submitter (1 of 4 stars). 2 submissions from 2 submitters: Uncertain significance (1). 1 of the submissions does not count toward it. Last evaluated 2021-07-14.

Conditions:
Hereditary hemochromatosis (HFE). Identifiers: MedGen C0392514, MONDO:0006507. Disease mechanism: loss of function.
Hemochromatosis type 3 (HFE3). Also called: HEMOCHROMATOSIS DUE TO DEFECT IN TRANSFERRIN RECEPTOR 2; TFR2-Related Hemochromatosis; Hereditary hemochromatosis type 3. Identifiers: Orphanet 225123, MedGen C1858664, MONDO:0011417, OMIM 604250.

Allele frequency attached by ClinVar (database versions not stated): gnomAD exomes below 0.00001; TOPMed below 0.00001; ExAC 0.00001.

Submissions (2):

Labcorp Genetics (formerly Invitae), Labcorp
Classification: Uncertain significance for Hereditary hemochromatosis. Last evaluated: 2021-07-14. Review status: criteria provided, single submitter. Criteria: Invitae Variant Classification Sherloc (09022015). Collection method: clinical testing. Allele origin: germline.
Comment: This sequence change replaces glutamic acid with valine at codon 222 of the TFR2 protein (p.Glu222Val). The glutamic acid residue is highly conserved and there is a moderate physicochemical difference between glutamic acid and valine. This variant has not been reported in the literature in individuals affected with TFR2-related conditions. In summary, the available evidence is currently insufficient to determine the role of this variant in disease. Therefore, it has been classified as a Variant of Uncertain Significance.

Natera, Inc.
Classification: Uncertain significance for Hereditary hemochromatosis type 3. Last evaluated: 2020-12-28. Review status: no assertion criteria provided. Collection method: clinical testing. Allele origin: germline. Not counted in ClinVar's aggregate classification.

NM_003227.4(TFR2):c.665A>T (p.Glu222Val)

Gene: TFR2 (transferrin receptor 2; minus strand). Cytogenetic location: 7q22.1.
Variant type: single nucleotide variant.
Coding change: c.665A>T on transcript NM_003227.4 (MANE Select); coding-DNA position 665, A replaced by T.
Protein change: p.Glu222Val; replaces glutamic acid 222 with valine.
Molecular consequence: missense variant.
Genome position (GRCh38, 1-based): chr7:100,633,290, T>A on the plus strand (A>T on the coding strand, the complement: TFR2 is on the minus strand). VCF-style: chr7-100633290-T-A. GRCh37 (hg19) VCF-style: chr7-100230913-T-A.
Other names: c.152A>T, p.Glu51Val (NM_001206855.3); short protein forms E222V, E51V.
Identifiers: ClinVar variation 220212 (VCV000220212.8), dbSNP rs763919775, ClinGen allele CA350396.